The following is an entry in ClinVar:

NM_001039958.2(MESP2):c.700G>T (p.Glu234Ter)

Gene: MESP2 (mesoderm posterior bHLH transcription factor 2; plus strand). Cytogenetic location: 15q26.1.
Variant type: single nucleotide variant.
Coding change: c.700G>T on transcript NM_001039958.2 (MANE Select); coding-DNA position 700, G replaced by T.
Protein change: p.Glu234Ter; replaces glutamic acid 234 with a stop codon.
Molecular consequence: nonsense.
Genome position (GRCh38, 1-based): chr15:89,777,057, G>T. VCF-style: chr15-89777057-G-T. GRCh37 (hg19) VCF-style: chr15-90320288-G-T.
Other names: MESP2, GLU230TER; short protein forms E234*.
Identifiers: ClinVar variation 5186 (VCV000005186.3), dbSNP rs118204035, ClinGen allele CA340360.

ClinVar aggregate classification (germline): Pathogenic. Review status: no assertion criteria provided (0 of 4 stars). 2 submissions from 2 submitters: Pathogenic (2). Last evaluated 2010-08-05.

Conditions:
Spondylocostal dysostosis 2, autosomal recessive (SCDO2). Also called: MESP2-Related Spondylocostal Dysostosis, Autosomal Recessive; Spondylocostal dysostosis type 2. Identifiers: Orphanet 2311, MedGen C1837549, MONDO:0012097, OMIM 608681.

Submissions (2):

GeneReviews
Classification: Pathogenic for Spondylothoracic Dysostosis. Last evaluated: 2010-08-05. Review status: no assertion criteria provided. Collection method: curation. Allele origin: unknown.
ClinVar note: Converted during submission from pathologic to Pathogenic.

OMIM
Classification: Pathogenic for SPONDYLOCOSTAL DYSOSTOSIS 2, AUTOSOMAL RECESSIVE. Last evaluated: 2008-06-01. Review status: no assertion criteria provided. Collection method: literature only. Allele origin: germline.

Literature cited by the submitters: PubMed 18485326 (cited by OMIM).